The following is an entry in ClinVar:

ClinVar aggregate classification (germline): Uncertain significance (1 of 4 stars; one submission).

Allele frequency attached by ClinVar (database versions not stated): ExAC 0.00002; ESP Exome Variant Server 0.00008.
gnomAD v4.1: 4 of 1,608,046 alleles (0.00025%); highest among the groups gnomAD compares: South Asian, 0.0022%; no homozygotes.

Submission:

Labcorp Genetics (formerly Invitae), Labcorp
Classification: Uncertain significance. Last evaluated: 2019-08-05. Review status: criteria provided, single submitter. Criteria: Invitae Variant Classification Sherloc (09022015). Collection method: clinical testing. Allele origin: germline.
Comment: This sequence change replaces glycine with aspartic acid at codon 179 of the PRKN protein (p.Gly179Asp). The glycine residue is moderately conserved and there is a moderate physicochemical difference between glycine and aspartic acid. This variant is present in population databases (rs370479735, ExAC 0.01%). In summary, the available evidence is currently insufficient to determine the role of this variant in disease. Therefore, it has been classified as a Variant of Uncertain Significance. Algorithms developed to predict the effect of missense changes on protein structure and function are either unavailable or do not agree on the potential impact of this missense change (SIFT: "Tolerated"; PolyPhen-2: "Probably Damaging"; Align-GVGD: "Class C0"). This variant has not been reported in the literature in individuals with PRKN-related conditions.

NM_004562.3(PRKN):c.536G>A (p.Gly179Asp)

Gene: PRKN (parkin RBR E3 ubiquitin protein ligase; minus strand). Cytogenetic location: 6q26.
Variant type: single nucleotide variant.
Coding change: c.536G>A on transcript NM_004562.3 (MANE Select); coding-DNA position 536, G replaced by A.
Protein change: p.Gly179Asp; replaces glycine 179 with aspartic acid.
Molecular consequence: missense variant. On other transcripts: intron variant (2).
Genome position (GRCh38, 1-based): chr6:162,054,173, C>T on the plus strand (G>A on the coding strand, the complement: PRKN is on the minus strand). VCF-style: chr6-162054173-C-T. GRCh37 (hg19) VCF-style: chr6-162475205-C-T.
Other names: c.172-80756G>A (NM_013988.3); c.535-80756G>A (NM_013987.3); short protein forms G179D.
Identifiers: ClinVar variation 938253 (VCV000938253.9), dbSNP rs370479735, ClinGen allele CA4090320.